The following is an entry in ClinVar:

ClinVar aggregate classification (germline): Uncertain significance (1 of 4 stars; one submission).

Conditions:
Cohen syndrome (COH1). Also called: PEPPER SYNDROME; Cutis verticis gyrata, retinitis pigmentosa, and sensorineural deafness. Identifiers: Orphanet 193, MedGen C0265223, MONDO:0008999, OMIM 216550.

Submission:

Labcorp Genetics (formerly Invitae), Labcorp
Classification: Uncertain significance for Cohen syndrome. Last evaluated: 2022-09-19. Review status: criteria provided, single submitter. Criteria: Invitae Variant Classification Sherloc (09022015). Collection method: clinical testing. Allele origin: germline.
Comment: In summary, the available evidence is currently insufficient to determine the role of this variant in disease. Therefore, it has been classified as a Variant of Uncertain Significance. Advanced modeling of protein sequence and biophysical properties (such as structural, functional, and spatial information, amino acid conservation, physicochemical variation, residue mobility, and thermodynamic stability) performed at Invitae indicates that this missense variant is not expected to disrupt VPS13B protein function. This variant has not been reported in the literature in individuals affected with VPS13B-related conditions. This variant is not present in population databases (gnomAD no frequency). This sequence change replaces leucine, which is neutral and non-polar, with serine, which is neutral and polar, at codon 2318 of the VPS13B protein (p.Leu2318Ser).

NM_152564.5(VPS13B):c.6878T>C (p.Leu2293Ser)

Gene: VPS13B (vacuolar protein sorting 13 homolog B; plus strand). Cytogenetic location: 8q22.2.
Variant type: single nucleotide variant.
Coding change: c.6878T>C on transcript NM_152564.5 (MANE Select); coding-DNA position 6878, T replaced by C.
Protein change: p.Leu2293Ser; replaces leucine 2293 with serine.
Molecular consequence: missense variant.
Genome position (GRCh38, 1-based): chr8:99,720,875, T>C. VCF-style: chr8-99720875-T-C. GRCh37 (hg19) VCF-style: chr8-100733103-T-C.
Other names: c.6953T>C, p.Leu2318Ser (NM_017890.5); short protein forms L2293S, L2318S.
Identifiers: ClinVar variation 2053402 (VCV002053402.4), dbSNP rs2491579971, ClinGen allele CA371868197.